The following is an entry in ClinVar:

NM_016111.4(TELO2):c.424C>T (p.Arg142Trp)

Gene: TELO2 (telomere maintenance 2; plus strand). Cytogenetic location: 16p13.3.
Variant type: single nucleotide variant.
Coding change: c.424C>T on transcript NM_016111.4 (MANE Select); coding-DNA position 424, C replaced by T.
Protein change: p.Arg142Trp; replaces arginine 142 with tryptophan.
Molecular consequence: missense variant.
Genome position (GRCh38, 1-based): chr16:1,495,434, C>T. VCF-style: chr16-1495434-C-T. GRCh37 (hg19) VCF-style: chr16-1545435-C-T.
Other names: c.424C>T, p.Arg142Trp (NM_001351846.2); c.424C>T (NM_016111.3); short protein forms R142W.
Identifiers: ClinVar variation 2081518 (VCV002081518.9), dbSNP rs535065684, ClinGen allele CA7811632.

ClinVar aggregate classification (germline): Benign/Likely benign. Review status: criteria provided, multiple submitters, no conflicts (2 of 4 stars). 3 submissions from 3 submitters: Benign (1); Likely benign (2). Last evaluated 2026-01-21.

Conditions:
Inborn genetic diseases. Identifiers: MedGen C0950123, MeSH D030342.

Allele frequency attached by ClinVar (database versions not stated): gnomAD exomes 0.00017; TOPMed 0.00017; gnomAD 0.00021; 1000 Genomes Project 30x 0.00062; 1000 Genomes Project 0.00080; ExAC 0.00105.
gnomAD v4.1: 275 of 1,600,396 alleles (0.017%); highest among the groups gnomAD compares: Admixed American, 0.18%; 2 homozygotes.

Submissions (3):

Labcorp Genetics (formerly Invitae), Labcorp
Classification: Benign. Last evaluated: 2026-01-21. Review status: criteria provided, single submitter. Criteria: Invitae Variant Classification Sherloc (09022015). Collection method: clinical testing. Allele origin: germline.

CeGaT Center for Human Genetics Tuebingen
Classification: Likely benign. Last evaluated: 2026-01-01. Review status: criteria provided, single submitter. Criteria: CeGaT Center For Human Genetics Tuebingen Variant Classification Criteria Version 2. Collection method: clinical testing. Allele origin: germline. Affected: yes. Observed: 1 variant allele.
Comment: TELO2: BP4, BS2

Ambry Genetics
Classification: Likely benign for Inborn genetic diseases. Last evaluated: 2025-03-07. Review status: criteria provided, single submitter. Criteria: Ambry Variant Classification Scheme 2023. Collection method: clinical testing. Allele origin: germline.